The following is an entry in ClinVar:

NM_019892.6(INPP5E):c.1612A>G (p.Ile538Val)

Gene: INPP5E (inositol polyphosphate-5-phosphatase E; minus strand). Cytogenetic location: 9q34.3.
Variant type: single nucleotide variant.
Coding change: c.1612A>G on transcript NM_019892.6 (MANE Select); coding-DNA position 1612, A replaced by G.
Protein change: p.Ile538Val; replaces isoleucine 538 with valine.
Molecular consequence: missense variant.
Genome position (GRCh38, 1-based): chr9:136,431,055, T>C on the plus strand (A>G on the coding strand, the complement: INPP5E is on the minus strand). VCF-style: chr9-136431055-T-C. GRCh37 (hg19) VCF-style: chr9-139325507-T-C.
Other names: c.1609A>G, p.Ile537Val (NM_001318502.2); short protein forms I537V, I538V.
Identifiers: ClinVar variation 4979280 (VCV004979280.1).
Genomic context (GRCh38, chr9:136,431,055, plus strand): 5'-GCCTCACCGTGTATGAGGGCGTCCTCTGCTTGGAGGTGCTGTCGTACGTGTCCTTCCCGA[T>C]GTCAAACTTGTATGATGGGAGGAAGTGGATGTCCGGCTCCTGGAAGCCCTTGAAGATGGA-3'
Protein context (NP_063945.2, residues 528-548): IHFLPSYKFD[Ile538Val]GKDTYDSTSK

ClinVar aggregate classification (germline): Uncertain significance (1 of 4 stars; one submission).

Conditions:
INPP5E-related disorder. Also called: INPP5E-related condition.

gnomAD v4.1: 2 of 1,613,096 alleles (0.00012%); highest among the groups gnomAD compares: African/African-American, 0.0013%; no homozygotes.

Submission:

PreventionGenetics, part of Exact Sciences
Classification: Uncertain significance for INPP5E-related condition. Last evaluated: 2026-04-24. Review status: criteria provided, single submitter. Criteria: ACMG Guidelines, 2015. Collection method: clinical testing. Allele origin: germline.
Comment: The INPP5E c.1612A>G variant is predicted to result in the amino acid substitution p.Ile538Val. To our knowledge, this variant has not been reported in the literature or in a large population database (gnomAD), indicating this variant is rare. At this time, the clinical significance of this variant is uncertain due to the absence of conclusive functional and genetic evidence.